The following is an entry in ClinVar:

NM_001267550.2(TTN):c.86830A>G (p.Ser28944Gly)

Genes: TTN (titin; minus strand), TTN-AS1 (TTN antisense RNA 1; plus strand). Cytogenetic location: 2q31.2.
Variant type: single nucleotide variant.
Coding change: c.86830A>G on transcript NM_001267550.2 (MANE Select); coding-DNA position 86830, A replaced by G.
Protein change: p.Ser28944Gly; replaces serine 28944 with glycine.
Molecular consequence: missense variant.
Genome position (GRCh38, 1-based): chr2:178,558,629, T>C on the plus strand (A>G on the coding strand, the complement: TTN is on the minus strand). VCF-style: chr2-178558629-T-C. GRCh37 (hg19) VCF-style: chr2-179423356-T-C.
Other names: p.Ser27303Gly; c.81907A>G, p.Ser27303Gly (NM_001256850.1); c.59635A>G, p.Ser19879Gly (NM_003319.4); c.79126A>G, p.Ser26376Gly (NM_133378.4); c.60010A>G, p.Ser20004Gly (NM_133432.3); c.60211A>G, p.Ser20071Gly (NM_133437.4); short protein forms S19879G, S20004G, S20071G, S26376G, S27303G, S28944G.
Identifiers: ClinVar variation 3380869 (VCV003380869.1).

ClinVar aggregate classification (germline): Uncertain significance (1 of 4 stars; one submission).

Submission:

Mayo Clinic Laboratories, Mayo Clinic
Classification: Uncertain significance. Last evaluated: 2024-04-03. Review status: criteria provided, single submitter. Criteria: ACMG Guidelines, 2015. Collection method: clinical testing. Allele origin: germline. Observed: 1 variant allele.
Comment: BP4, PM2